The following is an entry in ClinVar:

ClinVar aggregate classification (germline): Likely pathogenic (1 of 4 stars; one submission).

Conditions:
Vascular malformation. Also called: Vascular malformations. Identifiers: MedGen C0158570, MONDO:0024291.

Submission:

Clinical Genomics Laboratory, Washington University in St. Louis
Classification: Likely pathogenic for Vascular malformation. Last evaluated: 2024-11-06. Review status: criteria provided, single submitter. Criteria: Leon-Quintero et al. (Clin Genet. 2025). Collection method: clinical testing. Allele origin: somatic. Affected: yes.
Comment: A KRAS c.183_215dup (p.Tyr71_Met72insIleGluGluTyrSerAlaMetArgAspGlnTyr) variant was identified at an allelic fraction consistent with somatic origin. This exact variant, to our knowledge, has not been reported in the medical literature, however, many other similar inframe indels in this region in KRAS and HRAS have been reported (Claire Hou YC et al., PMID: 36571464; Eijkelenboom A et al., PMID: 31160609; Nagai K et al., PMID: 34618388;COSMIC). It is absent from the general population (gnomAD v.4.1.0), indicating it is not a common variant. This variant resides within a region, the switch II domain, amino acids 60-76 of KRAS that is defined as a critical functional domain (Claire Hou YC et al., PMID: 36571464). This variant is predicted to cause a change in the length of the protein due to an in-frame insertion of 11 amino acids in a non-repeat region. Based on available information and an internally developed protocol informed by the ACMG/AMP guidelines for variant interpretation and gene-specific practices from the ClinGen Criteria Specification Registry (Leon-Quintero FZ et al., PMID: 39434542), the KRAS c.183_215dup (p.Tyr71_Met72insIleGluGluTyrSerAlaMetArgAspGlnTyr) variant is classified as likely pathogenic.

NM_004985.5(KRAS):c.183_215dup (p.Tyr71_Met72insIleGluGluTyrSerAlaMetArgAspGlnTyr)

Gene: KRAS (KRAS proto-oncogene, GTPase; minus strand). Cytogenetic location: 12p12.1.
Variant type: Duplication.
Coding change: c.183_215dup on transcript NM_004985.5 (MANE Select); coding-DNA positions 183 to 215, 33 bases duplicated.
Protein change: p.Tyr71_Met72insIleGluGluTyrSerAlaMetArgAspGlnTyr.
Genome position (GRCh38, 1-based): chr12:25,227,309-25,227,341, 33 bases duplicated. GRCh37 (hg19): chr12:25,380,243-25,380,275.
Other names: c.183_215dup, p.Tyr71_Met72insIleGluGluTyrSerAlaMetArgAspGlnTyr (NM_001369786.1, NM_001369787.1, NM_033360.4).
Identifiers: ClinVar variation 3774511 (VCV003774511.1).